The following is an entry in ClinVar:

ClinVar aggregate classification (germline): Uncertain significance (1 of 4 stars; one submission).

Allele frequency attached by ClinVar (database versions not stated): gnomAD exomes below 0.00001.
gnomAD v4.1: 2 of 1,614,172 alleles (0.00012%); highest among the groups gnomAD compares: East Asian, 0.0045%; no homozygotes.

Submission:

Ambry Genetics
Classification: Uncertain significance. Last evaluated: 2021-07-23. Review status: criteria provided, single submitter. Criteria: Ambry Variant Classification Scheme 2023. Collection method: clinical testing. Allele origin: germline.
Comment: The p.S459C variant (also known as c.1376C>G), located in coding exon 13 of the NPAT gene, results from a C to G substitution at nucleotide position 1376. The serine at codon 459 is replaced by cysteine, an amino acid with dissimilar properties. This amino acid position is conserved. In addition, this alteration is predicted to be tolerated by in silico analysis. Since supporting evidence is limited at this time, the clinical significance of this alteration remains unclear.

NM_002519.3(NPAT):c.1376C>G (p.Ser459Cys)

Gene: NPAT (nuclear protein, coactivator of histone transcription; minus strand). Cytogenetic location: 11q22.3.
Variant type: single nucleotide variant.
Coding change: c.1376C>G on transcript NM_002519.3 (MANE Select); coding-DNA position 1376, C replaced by G.
Protein change: p.Ser459Cys; replaces serine 459 with cysteine.
Molecular consequence: missense variant.
Genome position (GRCh38, 1-based): chr11:108,173,608, G>C on the plus strand (C>G on the coding strand, the complement: NPAT is on the minus strand). VCF-style: chr11-108173608-G-C. GRCh37 (hg19) VCF-style: chr11-108044335-G-C.
Other names: c.1376C>G, p.Ser459Cys (NM_001321307.1); short protein forms S459C.
Identifiers: ClinVar variation 1771167 (VCV001771167.2), dbSNP rs2077976849, ClinGen allele CA382515439.